The following is an entry in ClinVar:

ClinVar aggregate classification (germline): Pathogenic (1 of 4 stars; one submission).

Conditions:
Familial adenomatous polyposis 3. Also called: NTHL1-associated polyposis; NTHL1-Related Adenomatous Polyposis and Colorectal Cancer; NTHL1-related attenuated familial adenomatous polyposis; NTHL1 Tumor Syndrome. Identifiers: Orphanet 220460, Orphanet 454840, MedGen C4225157, MONDO:0014630, OMIM 616415.

Submission:

Myriad Genetics, Inc.
Classification: Pathogenic for Familial adenomatous polyposis 3. Last evaluated: 2024-01-10. Review status: criteria provided, single submitter. Criteria: Myriad Autosomal Dominant, Autosomal Recessive and X-Linked Classification Criteria (2023). Collection method: clinical testing. Allele origin: unknown.
Comment: This variant is considered pathogenic. This variant creates a frameshift predicted to result in premature protein truncation.

NM_002528.7(NTHL1):c.26_29delinsCGGAG (p.Leu9fs)

Gene: NTHL1 (nth like DNA glycosylase 1; minus strand). Cytogenetic location: 16p13.3.
Variant type: Indel.
Coding change: c.26_29delinsCGGAG on transcript NM_002528.7 (MANE Select); coding-DNA positions 26 to 29, TGAC replaced by CGGAG.
Protein change: p.Leu9fs; shifts the reading frame from leucine 9.
Molecular consequence: frameshift variant. On other transcripts: 5 prime UTR variant (1).
Genome position (GRCh38, 1-based): chr16:2,047,795-2,047,798, GTCA replaced by CTCCG on the plus strand (TGAC replaced by CGGAG on the coding strand, the reverse complement: NTHL1 is on the minus strand). VCF-style: chr16-2047795-GTCA-CTCCG. GRCh37 (hg19) VCF-style: chr16-2097796-GTCA-CTCCG.
Other names: c.26_29delinsCGGAG, p.Leu9fs (NM_001318193.2); c.-153_-150delinsCGGAG (NM_001318194.2); short protein forms L9fs.
Identifiers: ClinVar variation 3148675 (VCV003148675.1), dbSNP rs2548332224, ClinGen allele CA2825002335.
Genomic context (GRCh38, chr16:2,047,795, plus strand): 5'-GGCCCGGGCTCCTCCCTACACCCCCGCGGCCCAGCCCCGGGTCCCAGGCTCCGGCTCCGG[GTCA>CTCCG]GCATCCTCGCGCTCAAGGCGGTCATGCCGGACTCCTGCGGACTACACATCCCGGCGGCCC-3'